The following is an entry in ClinVar:

ClinVar aggregate classification (germline): Uncertain significance (1 of 4 stars; one submission).

Conditions:
Fetal akinesia deformation sequence 1 (FADS1). Also called: Pena-Shokeir syndrome type I; Fetal akinesia sequence. Identifiers: Orphanet 994, MedGen C1276035, MONDO:0100101, OMIM 208150, HP:0001989.
Congenital myasthenic syndrome 11. Also called: MYASTHENIC SYNDROME, CONGENITAL, Ie; Myasthenic syndrome, congenital, 11, associated with acetylcholine receptor deficiency. Identifiers: Orphanet 590, MedGen C4225367, MONDO:0014588, OMIM 616326.

Allele frequency attached by ClinVar (database versions not stated): TOPMed below 0.00001.

Submission:

Labcorp Genetics (formerly Invitae), Labcorp
Classification: Uncertain significance for Congenital myasthenic syndrome 11; Fetal akinesia deformation sequence 1. Last evaluated: 2021-08-28. Review status: criteria provided, single submitter. Criteria: Invitae Variant Classification Sherloc (09022015). Collection method: clinical testing. Allele origin: germline.
Comment: This sequence change replaces cysteine with arginine at codon 330 of the RAPSN protein (p.Cys330Arg). The cysteine residue is highly conserved and there is a large physicochemical difference between cysteine and arginine. This variant is not present in population databases (ExAC no frequency). This variant has not been reported in the literature in individuals affected with RAPSN-related conditions. Algorithms developed to predict the effect of missense changes on protein structure and function output the following: SIFT: "Deleterious"; PolyPhen-2: "Benign"; Align-GVGD: "Class C0". The arginine amino acid residue is found in multiple mammalian species, which suggests that this missense change does not adversely affect protein function. In summary, the available evidence is currently insufficient to determine the role of this variant in disease. Therefore, it has been classified as a Variant of Uncertain Significance.

NM_005055.5(RAPSN):c.988T>C (p.Cys330Arg)

Gene: RAPSN (receptor associated protein of the synapse; minus strand). Cytogenetic location: 11p11.2.
Variant type: single nucleotide variant.
Coding change: c.988T>C on transcript NM_005055.5 (MANE Select); coding-DNA position 988, T replaced by C.
Protein change: p.Cys330Arg; replaces cysteine 330 with arginine.
Molecular consequence: missense variant.
Genome position (GRCh38, 1-based): chr11:47,438,910, A>G on the plus strand (T>C on the coding strand, the complement: RAPSN is on the minus strand). VCF-style: chr11-47438910-A-G. GRCh37 (hg19) VCF-style: chr11-47460461-A-G.
Other names: c.811T>C, p.Cys271Arg (NM_032645.5); short protein forms C271R, C330R.
Identifiers: ClinVar variation 1514809 (VCV001514809.5), dbSNP rs2076338568, ClinGen allele CA380327882.